The following is an entry in ClinVar:

NM_002432.3(MNDA):c.154A>G (p.Met52Val)

Gene: MNDA (myeloid cell nuclear differentiation antigen; plus strand). Cytogenetic location: 1q23.1.
Variant type: single nucleotide variant.
Coding change: c.154A>G on transcript NM_002432.3 (MANE Select); coding-DNA position 154, A replaced by G.
Protein change: p.Met52Val; replaces methionine 52 with valine.
Molecular consequence: missense variant.
Genome position (GRCh38, 1-based): chr1:158,842,307, A>G. VCF-style: chr1-158842307-A-G. GRCh37 (hg19) VCF-style: chr1-158812097-A-G.
Other names: short protein forms M52V.
Identifiers: ClinVar variation 3222177 (VCV003222177.1), dbSNP rs2526075153, ClinGen allele CA343036920.

ClinVar aggregate classification (germline): Uncertain significance (1 of 4 stars; one submission).

Allele frequency attached by ClinVar (database versions not stated): gnomAD exomes below 0.00001.
gnomAD v4.1: 1 of 1,614,180 alleles (0.000062%); highest among the groups gnomAD compares: Non-Finnish European, 0.000085%; no homozygotes.

Submission:

Ambry Genetics
Classification: Uncertain significance. Last evaluated: 2024-02-24. Review status: criteria provided, single submitter. Criteria: Ambry Variant Classification Scheme 2023. Collection method: clinical testing. Allele origin: germline.
Comment: The p.M52V variant (also known as c.154A>G), located in coding exon 1 of the MNDA gene, results from an A to G substitution at nucleotide position 154. The methionine at codon 52 is replaced by valine, an amino acid with highly similar properties. This amino acid position is conserved. In addition, this alteration is predicted to be tolerated by in silico analysis. Based on the available evidence, the clinical significance of this alteration remains unclear.